The following is an entry in ClinVar:

ClinVar aggregate classification (germline): Uncertain significance (1 of 4 stars; one submission).

Conditions:
PCNT-related disorder. Also called: PCNT-related condition.

gnomAD v4.1: 1 of 1,613,706 alleles (0.000062%); highest among the groups gnomAD compares: African/African-American, 0.0013%; no homozygotes.

Submission:

PreventionGenetics, part of Exact Sciences
Classification: Uncertain significance for PCNT-related condition. Last evaluated: 2025-05-22. Review status: criteria provided, single submitter. Criteria: ACMG Guidelines, 2015. Collection method: clinical testing. Allele origin: germline.
Comment: The PCNT c.1258C>G variant is predicted to result in the amino acid substitution p.Arg420Gly. To our knowledge, this variant has not been reported in the literature or in a large population database (gnomAD), indicating this variant is rare. At this time, the clinical significance of this variant is uncertain due to the absence of conclusive functional and genetic evidence.

NM_006031.6(PCNT):c.1258C>G (p.Arg420Gly)

Gene: PCNT (pericentrin; plus strand). Cytogenetic location: 21q22.3.
Variant type: single nucleotide variant.
Coding change: c.1258C>G on transcript NM_006031.6 (MANE Select); coding-DNA position 1258, C replaced by G.
Protein change: p.Arg420Gly; replaces arginine 420 with glycine.
Molecular consequence: missense variant.
Genome position (GRCh38, 1-based): chr21:46,349,734, C>G. VCF-style: chr21-46349734-C-G. GRCh37 (hg19) VCF-style: chr21-47769648-C-G.
Other names: c.904C>G, p.Arg302Gly (NM_001315529.2); short protein forms R420G, R302G.
Identifiers: ClinVar variation 4999500 (VCV004999500.1).
Genomic context (GRCh38, chr21:46,349,734, plus strand): 5'-ACCTTTCTAGGGGCCCTTAGGAACCTGGAGAGTCATCATCAAGCAGCCATTGAGAAGTTA[C>G]GTGAAGACCTGCAGTCCGAGCACGGCCGGTGTTTAGAAGACTTGGAGTTCAAGTTCAAAG-3'
Protein context (NP_006022.3, residues 410-430): SHHQAAIEKL[Arg420Gly]EDLQSEHGRC